The following is an entry in ClinVar:

NM_001127208.3(TET2):c.575A>G (p.Tyr192Cys)

Genes: TET2 (tet methylcytosine dioxygenase 2; plus strand), TET2-AS1 (TET2 antisense RNA 1; minus strand). Cytogenetic location: 4q24.
Variant type: single nucleotide variant.
Coding change: c.575A>G on transcript NM_001127208.3 (MANE Select); coding-DNA position 575, A replaced by G.
Protein change: p.Tyr192Cys; replaces tyrosine 192 with cysteine.
Molecular consequence: missense variant.
Genome position (GRCh38, 1-based): chr4:105,234,517, A>G. VCF-style: chr4-105234517-A-G. GRCh37 (hg19) VCF-style: chr4-106155674-A-G.
Other names: c.575A>G, p.Tyr192Cys (NM_017628.4); short protein forms Y192C.
Identifiers: ClinVar variation 3805959 (VCV003805959.1).

ClinVar aggregate classification (germline): Uncertain significance (1 of 4 stars; one submission).

Submission:

Ambry Genetics
Classification: Uncertain significance. Last evaluated: 2025-01-13. Review status: criteria provided, single submitter. Criteria: Ambry Variant Classification Scheme 2023. Collection method: clinical testing. Allele origin: germline.
Comment: The p.Y192C variant (also known as c.575A>G), located in coding exon 1 of the TET2 gene, results from an A to G substitution at nucleotide position 575. The tyrosine at codon 192 is replaced by cysteine, an amino acid with highly dissimilar properties. This amino acid position is conserved. In addition, this alteration is predicted to be tolerated by in silico analysis. Based on the available evidence, the clinical significance of this variant remains unclear.